The following is an entry in ClinVar:

GRCh38/hg38 13q13.1(chr13:32369782-32373167)x1

Gene: BRCA2 (BRCA2 DNA repair associated; plus strand). Cytogenetic location: 13q13.1.
Variant type: copy number loss.
Change: copy number 1 (one copy instead of two) of chr13:32,369,782-32,373,167 (3.4 kb, GRCh38 coordinates, 1-based), cytogenetic band 13q13.1.
Identifiers: ClinVar variation 4886817 (VCV004886817.1).

ClinVar aggregate classification (germline): Likely pathogenic (0 of 4 stars; one submission).

Conditions:
Familial cancer of breast. Also called: BREAST CANCER, FAMILIAL; Hereditary breast cancer; hereditary breast carcinoma. Identifiers: Orphanet 227535, MedGen C0346153, MONDO:0016419, OMIM 114480. Disease mechanism: loss of function.

Submission:

Diagnostics Centre, Carl Von Ossietzky University Oldenburg
Classification: Likely pathogenic for Familial cancer of breast. Last evaluated: 2026-01-29. Review status: no assertion criteria provided. Collection method: clinical testing. Allele origin: germline. Affected: yes. Observed: 1 variant allele.
Comment: The present variant is an approximately 3.4 kb heterozygous deletion in the 13q13 region. This alteration affects exons 19 and 20 of the BRCA2 gene. Deletion of these two exons leads to a frameshift, and degradation of the truncated protein via nonsense-mediated decay is predicted. A comparable deletion affecting exons 19 and 20 has been reported once in ClinVar as pathogenic (ClinVar ID: 584395). Deletions of similar position and size have been described in the literature as disease-causing (PMID: 18445692, 25678442, 28595730). In the present case, inheritance is unknown; however, the phenotype associated with similar alterations shows a strong concordance with the patient’s reported symptoms. In summary, this deletion is classified as Likely pathogenic.

Literature cited by the submitters: PubMed 18445692; PubMed 25678442; PubMed 28595730.